The following is an entry in ClinVar:

ClinVar aggregate classification (germline): Uncertain significance (1 of 4 stars; one submission).

Submission:

Ambry Genetics
Classification: Uncertain significance. Last evaluated: 2021-11-07. Review status: criteria provided, single submitter. Criteria: Ambry Variant Classification Scheme 2023. Collection method: clinical testing. Allele origin: germline.
Comment: The p.N365T variant (also known as c.1094A>C), located in coding exon 12 of the NPAT gene, results from an A to C substitution at nucleotide position 1094. The asparagine at codon 365 is replaced by threonine, an amino acid with similar properties. This amino acid position is conserved. In addition, this alteration is predicted to be tolerated by in silico analysis. Since supporting evidence is limited at this time, the clinical significance of this alteration remains unclear.

NM_002519.3(NPAT):c.1094A>C (p.Asn365Thr)

Gene: NPAT (nuclear protein, coactivator of histone transcription; minus strand). Cytogenetic location: 11q22.3.
Variant type: single nucleotide variant.
Coding change: c.1094A>C on transcript NM_002519.3 (MANE Select); coding-DNA position 1094, A replaced by C.
Protein change: p.Asn365Thr; replaces asparagine 365 with threonine.
Molecular consequence: missense variant.
Genome position (GRCh38, 1-based): chr11:108,176,284, T>G on the plus strand (A>C on the coding strand, the complement: NPAT is on the minus strand). VCF-style: chr11-108176284-T-G. GRCh37 (hg19) VCF-style: chr11-108047011-T-G.
Other names: c.1094A>C, p.Asn365Thr (NM_001321307.1); short protein forms N365T.
Identifiers: ClinVar variation 1790096 (VCV001790096.2), dbSNP rs1397667827, ClinGen allele CA382516746.